The following is an entry in ClinVar:

ClinVar aggregate classification (germline): Pathogenic/Likely pathogenic. Review status: criteria provided, multiple submitters, no conflicts (2 of 4 stars). 2 submissions from 2 submitters: Pathogenic (1); Likely pathogenic (1). Last evaluated 2024-08-05.

Conditions:
SPAG1-related disorder. Also called: SPAG1-related condition.
Primary ciliary dyskinesia 28. Also called: CILIARY DYSKINESIA, PRIMARY, 28, WITH OR WITHOUT SITUS INVERSUS. Identifiers: Orphanet 244, MedGen C3809706, MONDO:0014216, OMIM 615505.

Submissions (2):

Labcorp Genetics (formerly Invitae), Labcorp
Classification: Pathogenic for Primary ciliary dyskinesia 28. Last evaluated: 2024-08-05. Review status: criteria provided, single submitter. Criteria: Invitae Variant Classification Sherloc (09022015). Collection method: clinical testing. Allele origin: germline.
Comment: This sequence change creates a premature translational stop signal (p.Thr201Argfs*28) in the SPAG1 gene. It is expected to result in an absent or disrupted protein product. Loss-of-function variants in SPAG1 are known to be pathogenic (PMID: 24055112). This variant is present in population databases (no rsID available, gnomAD 0.01%). This variant has not been reported in the literature in individuals affected with SPAG1-related conditions. ClinVar contains an entry for this variant (Variation ID: 934361). For these reasons, this variant has been classified as Pathogenic.

Blueprint Genetics
Classification: Likely pathogenic for SPAG1-related disorders. Last evaluated: 2020-12-23. Review status: criteria provided, single submitter. Criteria: ACMG Guidelines, 2015. Collection method: clinical testing. Allele origin: germline. Affected: yes. Observed: 2 variant alleles.

Literature cited by the submitters: PubMed 24055112 (cited by Labcorp Genetics (formerly Invitae), Labcorp).

NM_003114.5(SPAG1):c.600_603del (p.Thr201fs)

Gene: SPAG1 (sperm associated antigen 1; plus strand). Cytogenetic location: 8q22.2.
Variant type: Deletion.
Coding change: c.600_603del on transcript NM_003114.5 (MANE Select); coding-DNA positions 600 to 603, 4 bases deleted (AACT; older notation c.600_603delAACT).
Protein change: p.Thr201fs; shifts the reading frame from threonine 201.
Molecular consequence: frameshift variant.
Genome position (GRCh38, 1-based): chr8:100,184,632-100,184,635, AACT deleted; deleting any 4 consecutive bases within chr8:100,184,630-100,184,635 gives the same sequence; the c. name uses the placement nearest the transcript's 3' end. VCF-style (leftmost placement, unchanged base first): chr8-100184629-TCTAA-T. GRCh37 (hg19) VCF-style: chr8-101196857-TCTAA-T.
Other names: c.600_603del, p.Thr201fs (NM_001374321.1, NM_172218.3); short protein forms T201fs.
Identifiers: ClinVar variation 934361 (VCV000934361.8), dbSNP rs1258068273, ClinGen allele CA583867411.